The following is an entry in ClinVar:

ClinVar aggregate classification (germline): Conflicting classifications of pathogenicity. Review status: criteria provided, conflicting classifications (1 of 4 stars). 3 submissions from 3 submitters: Uncertain significance (2); Likely benign (1). Last evaluated 2025-07-08.

Conditions:
Primary ciliary dyskinesia. Also called: Ciliary dyskinesia. Identifiers: Orphanet 244, MedGen C0008780, MONDO:0016575, HP:0012265.

Allele frequency attached by ClinVar (database versions not stated): gnomAD 0.00005; ESP Exome Variant Server 0.00015.
gnomAD v4.1: 60 of 1,613,940 alleles (0.0037%); highest among the groups gnomAD compares: Middle Eastern, 0.016%; no homozygotes.

Submissions (3):

Labcorp Genetics (formerly Invitae), Labcorp
Classification: Likely benign for Primary ciliary dyskinesia. Last evaluated: 2025-07-08. Review status: criteria provided, single submitter. Criteria: Invitae Variant Classification Sherloc (09022015). Collection method: clinical testing. Allele origin: germline.

Ambry Genetics
Classification: Uncertain significance for Primary ciliary dyskinesia. Last evaluated: 2025-04-03. Review status: criteria provided, single submitter. Criteria: Ambry Variant Classification Scheme 2023. Collection method: clinical testing. Allele origin: germline.

GeneDx
Classification: Uncertain significance. Last evaluated: 2025-03-06. Review status: criteria provided, single submitter. Criteria: GeneDx Variant Classification Process June 2021. Collection method: clinical testing. Allele origin: germline. Affected: yes.
Comment: In silico analysis supports that this missense variant has a deleterious effect on protein structure/function; Has not been previously published as pathogenic or benign to our knowledge

NM_001369.3(DNAH5):c.4372C>T (p.Arg1458Trp)

Genes: DNAH5 (dynein axonemal heavy chain 5; minus strand), DNAH5-AS1 (DNAH5 antisense RNA 1; plus strand). Cytogenetic location: 5p15.2.
Variant type: single nucleotide variant.
Coding change: c.4372C>T on transcript NM_001369.3 (MANE Select); coding-DNA position 4372, C replaced by T.
Protein change: p.Arg1458Trp; replaces arginine 1458 with tryptophan.
Molecular consequence: missense variant.
Genome position (GRCh38, 1-based): chr5:13,864,621, G>A on the plus strand (C>T on the coding strand, the complement: DNAH5 is on the minus strand). VCF-style: chr5-13864621-G-A. GRCh37 (hg19) VCF-style: chr5-13864730-G-A.
Other names: c.4372C>T (NM_001369.2); short protein forms R1458W.
Identifiers: ClinVar variation 2056698 (VCV002056698.6), dbSNP rs376641196, ClinGen allele CA3203990.